The following is an entry in ClinVar:

NM_002693.3(POLG):c.155_156insTCA (p.Gln51_Gln52insHis)

Genes: POLG (DNA polymerase gamma, catalytic subunit; minus strand), POLGARF (POLG alternative reading frame; minus strand). Cytogenetic location: 15q26.1.
Variant type: Insertion.
Coding change: c.155_156insTCA on transcript NM_002693.3 (MANE Select); coding-DNA positions 155 to 156, TCA inserted.
Protein change: p.Gln51_Gln52insHis.
Molecular consequence: inframe insertion.
Genome position: GRCh38 VCF-style: chr15-89333599-C-CTGA. GRCh37 (hg19) VCF-style: chr15-89876830-C-CTGA.
Other names: c.155_156insTCA, p.Gln51_Gln52insHis (NM_001126131.2); c.155_156insTCA (NM_002693.2).
Identifiers: ClinVar variation 1478344 (VCV001478344.8), dbSNP rs573261648, ClinGen allele CA7725181.

ClinVar aggregate classification (germline): Uncertain significance. Review status: criteria provided, multiple submitters, no conflicts (2 of 4 stars). 2 submissions from 2 submitters: Uncertain significance (2). Last evaluated 2025-12-15.

Conditions:
POLG-related disorder. Also called: POLG-Related Spectrum Disorders; POLG-related condition; POLG-Related Disorders. Identifiers: MedGen C4763519.
Progressive sclerosing poliodystrophy (MTDPS4A). Also called: ALPERS PROGRESSIVE INFANTILE POLIODYSTROPHY; ALPERS DIFFUSE DEGENERATION OF CEREBRAL GRAY MATTER WITH HEPATIC CIRRHOSIS; Alpers-Huttenlocher Syndrome; Mitochondrial DNA Depletion Syndrome 4A; Alpers-Huttenlocher Syndrome (AHS); Alpers Syndrome. Identifiers: Orphanet 726, MedGen C0205710, MONDO:0008758, OMIM 203700.

Submissions (2):

Labcorp Genetics (formerly Invitae), Labcorp
Classification: Uncertain significance for Progressive sclerosing poliodystrophy. Last evaluated: 2025-12-15. Review status: criteria provided, single submitter. Criteria: Invitae Variant Classification Sherloc (09022015). Collection method: clinical testing. Allele origin: germline.
Comment: This variant, c.155_156insTCA, results in the insertion of 1 amino acid(s) of the POLG protein (p.Gln51_Gln52insHis), but otherwise preserves the integrity of the reading frame. The frequency data for this variant in the population databases is considered unreliable, as metrics indicate poor data quality at this position in the gnomAD database. This variant has not been reported in the literature in individuals affected with POLG-related conditions. ClinVar contains an entry for this variant (Variation ID: 1478344). Experimental studies and prediction algorithms are not available or were not evaluated, and the functional significance of this variant is currently unknown. In summary, the available evidence is currently insufficient to determine the role of this variant in disease. Therefore, it has been classified as a Variant of Uncertain Significance.

PreventionGenetics, part of Exact Sciences
Classification: Uncertain significance for POLG-related condition. Last evaluated: 2025-04-11. Review status: criteria provided, single submitter. Criteria: ACMG Guidelines, 2015. Collection method: clinical testing. Allele origin: germline.
Comment: The POLG c.155_156insTCA variant is predicted to result in an in-frame amino acid insertion (p.Gln51_Gln52insHis). To our knowledge, this variant has not been reported in the literature. This variant is reported in 0.044% of alleles in individuals of South Asian descent in gnomAD. At this time, the clinical significance of this variant is uncertain due to the absence of conclusive functional and genetic evidence.